The following is an entry in ClinVar:

ClinVar aggregate classification (germline): Likely benign. Review status: criteria provided, multiple submitters, no conflicts (2 of 4 stars). 3 submissions from 3 submitters: Likely benign (3). Last evaluated 2026-01-12.

Conditions:
Cerebral creatine deficiency syndrome. Also called: Creatine deficiency syndromes. Identifiers: Orphanet 79172, MedGen C5244016, MONDO:0000456.

Allele frequency attached by ClinVar (database versions not stated): gnomAD exomes 0.00002 and 0.00005; ESP Exome Variant Server 0.00008; gnomAD 0.00009; TOPMed 0.00012; ExAC 0.00014; 1000 Genomes Project 0.00020; 1000 Genomes Project 30x 0.00031.
gnomAD v4.1: 40 of 1,603,182 alleles (0.0025%); highest among the groups gnomAD compares: African/African-American, 0.04%; no homozygotes.

Submissions (3):

Labcorp Genetics (formerly Invitae), Labcorp
Classification: Likely benign for Cerebral creatine deficiency syndrome. Last evaluated: 2026-01-12. Review status: criteria provided, single submitter. Criteria: Invitae Variant Classification Sherloc (09022015). Collection method: clinical testing. Allele origin: germline.

Genetic Services Laboratory, University of Chicago
Classification: Likely benign. Last evaluated: 2019-11-25. Review status: criteria provided, single submitter. Criteria: ACMG Guidelines, 2015. Collection method: clinical testing. Allele origin: germline. Affected: no.

GeneDx
Classification: Likely benign. Last evaluated: 2017-03-13. Review status: criteria provided, single submitter. Criteria: GeneDx Variant Classification (06012015). Collection method: clinical testing. Allele origin: germline. Affected: yes.
Comment: This variant is considered likely benign or benign based on one or more of the following criteria: it is a conservative change, it occurs at a poorly conserved position in the protein, it is predicted to be benign by multiple in silico algorithms, and/or has population frequency not consistent with disease.

NM_000156.6(GAMT):c.258T>C (p.His86=)

Gene: GAMT (guanidinoacetate N-methyltransferase; minus strand). Cytogenetic location: 19p13.3.
Variant type: single nucleotide variant.
Coding change: c.258T>C on transcript NM_000156.6 (MANE Select); coding-DNA position 258, T replaced by C.
Protein change: p.His86=; no amino-acid change (histidine 86 retained).
Molecular consequence: synonymous variant.
Genome position (GRCh38, 1-based): chr19:1,399,862, A>G on the plus strand (T>C on the coding strand, the complement: GAMT is on the minus strand). VCF-style: chr19-1399862-A-G. GRCh37 (hg19) VCF-style: chr19-1399861-A-G.
Other names: c.258T>C, p.His86= (NM_138924.3).
Identifiers: ClinVar variation 478013 (VCV000478013.15), dbSNP rs367871393, ClinGen allele CA9043755.